The following is an entry in ClinVar:

ClinVar aggregate classification (germline): Likely benign. Review status: criteria provided, multiple submitters, no conflicts (2 of 4 stars). 2 submissions from 2 submitters: Likely benign (2). Last evaluated 2023-12-19.

Conditions:
Bifunctional peroxisomal enzyme deficiency (DBIF). Also called: D-bifunctional protein deficiency; PBFE DEFICIENCY; DBP DEFICIENCY. Identifiers: Orphanet 300, MedGen C0342870, MONDO:0009855, OMIM 261515. Disease mechanism: loss of function.
Perrault syndrome. Also called: Gonadal dysgenesis with auditory dysfunction, autosomal recessive inheritance. Identifiers: Orphanet 2855, MedGen C0685838, MONDO:0017312.

Allele frequency attached by ClinVar (database versions not stated): gnomAD exomes below 0.00001; ExAC 0.00001; gnomAD 0.00001; TOPMed 0.00002.
gnomAD v4.1: 8 of 1,603,752 alleles (0.0005%); highest among the groups gnomAD compares: African/African-American, 0.0067%; no homozygotes.

Submissions (2):

Labcorp Genetics (formerly Invitae), Labcorp
Classification: Likely benign for Perrault syndrome; Bifunctional peroxisomal enzyme deficiency. Last evaluated: 2023-12-19. Review status: criteria provided, single submitter. Criteria: Invitae Variant Classification Sherloc (09022015). Collection method: clinical testing. Allele origin: germline.

Laboratory for Molecular Medicine, Mass General Brigham Personalized Medicine
Classification: Likely benign. Last evaluated: 2016-06-02. Review status: criteria provided, single submitter. Criteria: LMM Criteria. Collection method: clinical testing. Allele origin: germline. Observed: 1 variant allele.
Comment: c.697+14C>T in intron 9 of HSD17B4: This variant is not expected to have clinica l significance because it is not located within the splice consensus sequence. I t has been identified in 1/16508 South Asian chromosomes by the Exome Aggregatio n Consortium (ExAC; dbSNP rs765736425).

NM_000414.4(HSD17B4):c.622+14C>T

Gene: HSD17B4 (hydroxysteroid 17-beta dehydrogenase 4; plus strand). Cytogenetic location: 5q23.1.
Variant type: single nucleotide variant.
Coding change: c.622+14C>T on transcript NM_000414.4 (MANE Select); 14 bases into the intron after coding-DNA position 622, C replaced by T.
Molecular consequence: intron variant.
Genome position (GRCh38, 1-based): chr5:119,479,035, C>T. VCF-style: chr5-119479035-C-T. GRCh37 (hg19) VCF-style: chr5-118814730-C-T.
Other names: c.697+14C>T (NM_001199291.3); c.202+14C>T (NM_001292028.2); c.550+14C>T (NM_001292027.2); c.568+14C>T (NM_001199292.2).
Identifiers: ClinVar variation 504977 (VCV000504977.7), dbSNP rs765736425, ClinGen allele CA3381897.